The following is an entry in ClinVar:

ClinVar aggregate classification (germline): Uncertain significance (1 of 4 stars; one submission).

Submission:

Labcorp Genetics (formerly Invitae), Labcorp
Classification: Uncertain significance. Last evaluated: 2025-05-14. Review status: criteria provided, single submitter. Criteria: Invitae Variant Classification Sherloc (09022015). Collection method: clinical testing. Allele origin: germline.
Comment: This variant, c.3575_3577dup, results in the insertion of 1 amino acid(s) of the GRIN2D protein (p.Pro1192dup), but otherwise preserves the integrity of the reading frame. The frequency data for this variant in the population databases is considered unreliable, as metrics indicate poor data quality at this position in the gnomAD database. This variant has not been reported in the literature in individuals affected with GRIN2D-related conditions. Experimental studies and prediction algorithms are not available or were not evaluated, and the functional significance of this variant is currently unknown. In summary, the available evidence is currently insufficient to determine the role of this variant in disease. Therefore, it has been classified as a Variant of Uncertain Significance.

NM_000836.4(GRIN2D):c.3569CGC[4] (p.Pro1192_Arg1193insPro)

Gene: GRIN2D (glutamate ionotropic receptor NMDA type subunit 2D; plus strand). Cytogenetic location: 19q13.33.
Variant type: Microsatellite.
Coding change: c.3569CGC[4] on transcript NM_000836.4 (MANE Select); four copies in a row of the 3-base unit CGC starting at c.3569; the reference has three copies in a row; one copy, 3 bases duplicated.
Protein change: p.Pro1192_Arg1193insPro.
Genome position (GRCh38, 1-based): chr19:48,443,501-48,443,503, CGC duplicated; duplicating any 3 consecutive bases within chr19:48,443,493-48,443,503 gives the same sequence; the position shown is the placement nearest the transcript's 3' end. VCF-style (leftmost placement, unchanged base first): chr19-48443492-T-TGCC. GRCh37 (hg19) VCF-style: chr19-48946749-T-TGCC.
Identifiers: ClinVar variation 4774156 (VCV004774156.1).
Genomic context (GRCh38, chr19:48,443,492, plus strand): 5'-TGCCCCCGCGCAGCGGTCCGGCCGCCTGGCACTGTCGGCACTGCGCCAGCCTGGAGCTGC[T>TGCC]GCCGCCGCCGCGCCATCTCAGCTGCTCGCACGATGGCCTGGACGGCGGCTGGTGGGCGCC-3'